The following is an entry in ClinVar:

NM_021629.4(GNB4):c.885T>C (p.Asn295=)

Gene: GNB4 (G protein subunit beta 4; minus strand). Cytogenetic location: 3q26.33.
Variant type: single nucleotide variant.
Coding change: c.885T>C on transcript NM_021629.4 (MANE Select); coding-DNA position 885, T replaced by C.
Protein change: p.Asn295=; no amino-acid change (asparagine 295 retained).
Molecular consequence: synonymous variant.
Genome position (GRCh38, 1-based): chr3:179,405,221, A>G on the plus strand (T>C on the coding strand, the complement: GNB4 is on the minus strand). VCF-style: chr3-179405221-A-G. GRCh37 (hg19) VCF-style: chr3-179123009-A-G.
Identifiers: ClinVar variation 696693 (VCV000696693.11), dbSNP rs550870195, ClinGen allele CA2712398.

ClinVar aggregate classification (germline): Likely benign. Review status: criteria provided, single submitter (1 of 4 stars). 2 submissions from 2 submitters: Likely benign (1). 1 of the submissions does not count toward it. Last evaluated 2024-11-03.

Conditions:
GNB4-related disorder. Also called: GNB4-related condition.
Charcot-Marie-Tooth disease dominant intermediate F. Identifiers: Orphanet 352670, MedGen C4749463, MONDO:0014074, OMIM 615185.

Allele frequency attached by ClinVar (database versions not stated): gnomAD exomes 0.00002 and 0.00007; TOPMed 0.00005; gnomAD 0.00007 and 0.00008; ExAC 0.00001.
gnomAD v4.1: 103 of 1,614,022 alleles (0.0064%); highest among the groups gnomAD compares: Non-Finnish European, 0.0082%; no homozygotes.

Submissions (2):

Labcorp Genetics (formerly Invitae), Labcorp
Classification: Likely benign for Charcot-Marie-Tooth disease dominant intermediate F. Last evaluated: 2024-11-03. Review status: criteria provided, single submitter. Criteria: Invitae Variant Classification Sherloc (09022015). Collection method: clinical testing. Allele origin: germline.

PreventionGenetics, part of Exact Sciences
Classification: Likely benign for GNB4-related condition. Last evaluated: 2022-04-15. Review status: no assertion criteria provided. Collection method: clinical testing. Allele origin: germline. Not counted in ClinVar's aggregate classification.
Comment: This variant is classified as likely benign based on ACMG/AMP sequence variant interpretation guidelines (Richards et al. 2015 PMID: 25741868, with internal and published modifications).